The following is an entry in ClinVar:

ClinVar aggregate classification (germline): Benign. Review status: criteria provided, multiple submitters, no conflicts (2 of 4 stars). 9 submissions from 8 submitters: Benign (9). Last evaluated 2026-06-05.

Conditions:
Ectopia lentis et pupillae. Also called: ECTOPIA LENTIS WITH ECTOPIA OF PUPIL. Identifiers: Orphanet 1885, MedGen C1644196, MONDO:0009153, OMIM 225200.
Ectopia lentis 2, isolated, autosomal recessive (ECTOL2). Identifiers: Orphanet 1885, MedGen C3541474, MONDO:0009152, OMIM 225100.

Allele frequency attached by ClinVar (database versions not stated): gnomAD 0.54827 and 0.54274; 1000 Genomes Project 0.52835; 1000 Genomes Project 30x 0.53014; TOPMed 0.53599; ESP Exome Variant Server 0.54706.
gnomAD v4.1: 849,416 of 1,613,072 alleles (53%); highest among the groups gnomAD compares: African/African-American, 60%; 225,534 homozygotes.

Submissions (9):

Women's Health and Genetics/Laboratory Corporation of America, LabCorp
Classification: Benign. Last evaluated: 2026-06-05. Review status: criteria provided, single submitter. Criteria: LabCorp Variant Classification Summary - May 2015. Collection method: clinical testing. Allele origin: germline.

Labcorp Genetics (formerly Invitae), Labcorp
Classification: Benign. Last evaluated: 2026-02-04. Review status: criteria provided, single submitter. Criteria: Invitae Variant Classification Sherloc (09022015). Collection method: clinical testing. Allele origin: germline.

Blueprint Genetics
Classification: Benign. Last evaluated: 2024-11-26. Review status: criteria provided, single submitter. Criteria: ACMG Guidelines, 2015. Collection method: clinical testing. Allele origin: germline.

Genome-Nilou Lab
Classification: Benign for Ectopia lentis et pupillae. Last evaluated: 2023-04-11. Review status: criteria provided, single submitter. Criteria: ACMG Guidelines, 2015. Collection method: clinical testing. Allele origin: germline. Affected: no.

Genome-Nilou Lab
Classification: Benign for Ectopia lentis 2, isolated, autosomal recessive. Last evaluated: 2023-04-11. Review status: criteria provided, single submitter. Criteria: ACMG Guidelines, 2015. Collection method: clinical testing. Allele origin: germline. Affected: no.

Illumina Laboratory Services, Illumina
Classification: Benign for Ectopia lentis 2, isolated, autosomal recessive. Last evaluated: 2018-01-12. Review status: criteria provided, single submitter. Criteria: ICSL Variant Classification Criteria 13 December 2019. Collection method: clinical testing. Allele origin: germline.
Comment: This variant was observed in the ICSL laboratory as part of a predisposition screen in an ostensibly healthy population. It had not been previously curated by ICSL or reported in the Human Gene Mutation Database (HGMD: prior to June 1st, 2018), and was therefore a candidate for classification through an automated scoring system. Utilizing variant allele frequency, disease prevalence and penetrance estimates, and inheritance mode, an automated score was calculated to assess if this variant is too frequent to cause the disease. Based on the score and internal cut-off values, a variant classified as benign is not then subjected to further curation. The score for this variant resulted in a classification of benign for this disease.

GeneDx
Classification: Benign. Last evaluated: 2017-11-20. Review status: criteria provided, single submitter. Criteria: GeneDx Variant Classification (06012015). Collection method: clinical testing. Allele origin: germline. Affected: yes.
Comment: This variant is considered likely benign or benign based on one or more of the following criteria: it is a conservative change, it occurs at a poorly conserved position in the protein, it is predicted to be benign by multiple in silico algorithms, and/or has population frequency not consistent with disease.

Breakthrough Genomics
Classification: Benign. Review status: criteria provided, single submitter. Criteria: ACMG Guidelines, 2015. Collection method: not provided. Allele origin: germline. Inheritance: Autosomal recessive inheritance. Affected: yes.

PreventionGenetics, part of Exact Sciences
Classification: Benign. Review status: criteria provided, single submitter. Criteria: ACMG Guidelines, 2015. Collection method: clinical testing. Allele origin: germline.

NM_019032.6(ADAMTSL4):c.577G>C (p.Ala193Pro)

Genes: ADAMTSL4 (ADAMTS like 4; plus strand), ADAMTSL4-AS2 (ADAMTSL4 antisense RNA 2; minus strand). Cytogenetic location: 1q21.2.
Variant type: single nucleotide variant.
Coding change: c.577G>C on transcript NM_019032.6 (MANE Select); coding-DNA position 577, G replaced by C.
Protein change: p.Ala193Pro; replaces alanine 193 with proline.
Molecular consequence: missense variant.
Genome position (GRCh38, 1-based): chr1:150,553,568, G>C. VCF-style: chr1-150553568-G-C. GRCh37 (hg19) VCF-style: chr1-150526044-G-C.
Other names: c.577G>C, p.Ala193Pro (NM_001288607.2, NM_001288608.2, NM_001378596.1 and 1 more transcripts); short protein forms A193P.
Identifiers: ClinVar variation 261079 (VCV000261079.17), dbSNP rs41317515, ClinGen allele CA1077990.